The following is an entry in ClinVar:

NM_020340.5(ARFGEF3):c.5956C>T (p.Leu1986=)

Gene: ARFGEF3 (ARFGEF family member 3; plus strand). Cytogenetic location: 6q24.1.
Variant type: single nucleotide variant.
Coding change: c.5956C>T on transcript NM_020340.5 (MANE Select); coding-DNA position 5956, C replaced by T.
Protein change: p.Leu1986=; no amino-acid change (leucine 1986 retained).
Molecular consequence: synonymous variant.
Genome position (GRCh38, 1-based): chr6:138,334,802, C>T. VCF-style: chr6-138334802-C-T. GRCh37 (hg19) VCF-style: chr6-138655939-C-T.
Identifiers: ClinVar variation 3056917 (VCV003056917.2), dbSNP rs117285792, ClinGen allele CA4021705.

ClinVar aggregate classification (germline): Benign (0 of 4 stars; one submission).

Conditions:
ARFGEF3-related disorder. Also called: ARFGEF3-related condition.

Allele frequency attached by ClinVar (database versions not stated): ESP Exome Variant Server 0.00046; gnomAD exomes 0.00284; gnomAD 0.00360; TOPMed 0.00447; ExAC 0.01007; 1000 Genomes Project 30x 0.01171; 1000 Genomes Project 0.01238.
gnomAD v4.1: 4,807 of 1,603,974 alleles (0.3%); highest among the groups gnomAD compares: Admixed American, 2.7%; 65 homozygotes.

Submission:

PreventionGenetics, part of Exact Sciences
Classification: Benign for ARFGEF3-related condition. Last evaluated: 2019-02-22. Review status: no assertion criteria provided. Collection method: clinical testing. Allele origin: germline.
Comment: This variant is classified as benign based on ACMG/AMP sequence variant interpretation guidelines (Richards et al. 2015 PMID: 25741868, with internal and published modifications).